The following is an entry in ClinVar:

NM_001145358.2(SIN3A):c.3318G>C (p.Met1106Ile)

Gene: SIN3A (SIN3 transcription regulator family member A; minus strand). Cytogenetic location: 15q24.2.
Variant type: single nucleotide variant.
Coding change: c.3318G>C on transcript NM_001145358.2 (MANE Select); coding-DNA position 3318, G replaced by C.
Protein change: p.Met1106Ile; replaces methionine 1106 with isoleucine.
Molecular consequence: missense variant.
Genome position (GRCh38, 1-based): chr15:75,380,694, C>G on the plus strand (G>C on the coding strand, the complement: SIN3A is on the minus strand). VCF-style: chr15-75380694-C-G. GRCh37 (hg19) VCF-style: chr15-75673035-C-G.
Other names: c.3318G>C, p.Met1106Ile (NM_001145357.2, NM_015477.3); short protein forms M1106I.
Identifiers: ClinVar variation 2734422 (VCV002734422.3), dbSNP rs2543016811, ClinGen allele CA393486743.

ClinVar aggregate classification (germline): Uncertain significance (1 of 4 stars; one submission).

Submission:

Labcorp Genetics (formerly Invitae), Labcorp
Classification: Uncertain significance. Last evaluated: 2024-04-16. Review status: criteria provided, single submitter. Criteria: Invitae Variant Classification Sherloc (09022015). Collection method: clinical testing. Allele origin: germline.
Comment: This sequence change replaces methionine, which is neutral and non-polar, with isoleucine, which is neutral and non-polar, at codon 1106 of the SIN3A protein (p.Met1106Ile). This variant is not present in population databases (gnomAD no frequency). This variant has not been reported in the literature in individuals affected with SIN3A-related conditions. Advanced modeling of protein sequence and biophysical properties (such as structural, functional, and spatial information, amino acid conservation, physicochemical variation, residue mobility, and thermodynamic stability) performed at Invitae indicates that this missense variant is not expected to disrupt SIN3A protein function with a negative predictive value of 80%. In summary, the available evidence is currently insufficient to determine the role of this variant in disease. Therefore, it has been classified as a Variant of Uncertain Significance.